The following is an entry in ClinVar:

ClinVar aggregate classification (germline): Uncertain significance (1 of 4 stars; one submission).

Conditions:
Inborn genetic diseases. Identifiers: MedGen C0950123, MeSH D030342.

Submission:

Ambry Genetics
Classification: Uncertain significance for Inborn genetic diseases. Last evaluated: 2024-06-22. Review status: criteria provided, single submitter. Criteria: Ambry Variant Classification Scheme 2023. Collection method: clinical testing. Allele origin: germline.
Comment: The p.L505P variant (also known as c.1514T>C), located in coding exon 13 of the LRRK2 gene, results from a T to C substitution at nucleotide position 1514. The leucine at codon 505 is replaced by proline, an amino acid with similar properties. This amino acid position is conserved. In addition, this alteration is predicted to be deleterious by in silico analysis. Based on the available evidence, the clinical significance of this variant remains unclear.

NM_198578.4(LRRK2):c.1514T>C (p.Leu505Pro)

Gene: LRRK2 (leucine rich repeat kinase 2; plus strand). Cytogenetic location: 12q12.
Variant type: single nucleotide variant.
Coding change: c.1514T>C on transcript NM_198578.4 (MANE Select); coding-DNA position 1514, T replaced by C.
Protein change: p.Leu505Pro; replaces leucine 505 with proline.
Molecular consequence: missense variant.
Genome position (GRCh38, 1-based): chr12:40,259,575, T>C. VCF-style: chr12-40259575-T-C. GRCh37 (hg19) VCF-style: chr12-40653377-T-C.
Other names: short protein forms L505P.
Identifiers: ClinVar variation 3292078 (VCV003292078.1).